The following is an entry in ClinVar:

NM_213655.5(WNK1):c.2198G>A (p.Cys733Tyr)

Gene: WNK1 (WNK lysine deficient protein kinase 1; plus strand). Cytogenetic location: 12p13.33.
Variant type: single nucleotide variant.
Coding change: c.2198G>A on transcript NM_213655.5 (MANE Plus Clinical); coding-DNA position 2198, G replaced by A.
Protein change: p.Cys733Tyr; replaces cysteine 733 with tyrosine.
Molecular consequence: missense variant. On other transcripts: intron variant (3).
Genome position (GRCh38, 1-based): chr12:865,168, G>A. VCF-style: chr12-865168-G-A. GRCh37 (hg19) VCF-style: chr12-974334-G-A.
Other names: c.2140-2698G>A (NM_001184985.2); c.2139+2898G>A (NM_018979.4, NM_014823.3); short protein forms C733Y.
Identifiers: ClinVar variation 836701 (VCV000836701.9), dbSNP rs72649828, ClinGen allele CA6382131.

ClinVar aggregate classification (germline): Uncertain significance (1 of 4 stars; one submission).

Conditions:
Pseudohypoaldosteronism type 2C (PHA2C). Also called: Pseudohypoaldosteronism Type IIC. Identifiers: Orphanet 757, Orphanet 88940, MedGen C1840391, MONDO:0013778, OMIM 614492.
Neuropathy, hereditary sensory and autonomic, type 2A (HSAN2A). Also called: MORVAN DISEASE; NEUROPATHY, CONGENITAL SENSORY; NEUROPATHY, HEREDITARY SENSORY RADICULAR, AUTOSOMAL RECESSIVE; NEUROPATHY, HEREDITARY SENSORY, TYPE IIA; NEUROPATHY, PROGRESSIVE SENSORY, OF CHILDREN; WNK1-Related HSAN2 (HSAN2A). Identifiers: Orphanet 970, MedGen C2752089, MONDO:0024309, OMIM 201300.

Allele frequency attached by ClinVar (database versions not stated): gnomAD exomes 0.00002 and 0.00001; ExAC 0.00009.
gnomAD v4.1: 5 of 1,521,948 alleles (0.00033%); highest among the groups gnomAD compares: South Asian, 0.0024%; no homozygotes.

Submission:

Labcorp Genetics (formerly Invitae), Labcorp
Classification: Uncertain significance for Neuropathy, hereditary sensory and autonomic, type 2A; Pseudohypoaldosteronism type 2C. Last evaluated: 2019-12-11. Review status: criteria provided, single submitter. Criteria: Invitae Variant Classification Sherloc (09022015). Collection method: clinical testing. Allele origin: germline.
Comment: In summary, the available evidence is currently insufficient to determine the role of this variant in disease. Therefore, it has been classified as a Variant of Uncertain Significance. Algorithms developed to predict the effect of missense changes on protein structure and function are either unavailable or do not agree on the potential impact of this missense change (SIFT: "Not Available"; PolyPhen-2: "Not Available"; Align-GVGD: "Class C0"). This variant has not been reported in the literature in individuals with WNK1-related conditions. While this variant is present in population databases (rs72649828), the frequency information is unreliable, as metrics indicate poor data quality at this position in the ExAC database. This sequence change replaces cysteine with tyrosine at codon 733 of the WNK1 protein (p.Cys733Tyr). The cysteine residue is weakly conserved and there is a large physicochemical difference between cysteine and tyrosine.